The following is an entry in ClinVar:

NM_016219.5(MAN1B1):c.1897-12G>A

Gene: MAN1B1 (mannosidase alpha class 1B member 1; plus strand). Cytogenetic location: 9q34.3.
Variant type: single nucleotide variant.
Coding change: c.1897-12G>A on transcript NM_016219.5 (MANE Select); 12 bases into the intron before coding-DNA position 1897, G replaced by A.
Molecular consequence: intron variant.
Genome position (GRCh38, 1-based): chr9:137,108,376, G>A. VCF-style: chr9-137108376-G-A. GRCh37 (hg19) VCF-style: chr9-140002828-G-A.
Identifiers: ClinVar variation 365972 (VCV000365972.12), dbSNP rs76740252, ClinGen allele CA5359507.

ClinVar aggregate classification (germline): Benign. Review status: criteria provided, multiple submitters, no conflicts (2 of 4 stars). 2 submissions from 2 submitters: Benign (2). Last evaluated 2025-12-19.

Conditions:
Rafiq syndrome (RAFQS). Identifiers: Orphanet 88616, MedGen C3280127, MONDO:0013624, OMIM 614202.

Allele frequency attached by ClinVar (database versions not stated): gnomAD exomes 0.00029 and 0.00082; ExAC 0.00104; gnomAD 0.00300 and 0.00322; 1000 Genomes Project 0.00319; 1000 Genomes Project 30x 0.00344; TOPMed 0.00359; ESP Exome Variant Server 0.00400.
gnomAD v4.1: 905 of 1,612,640 alleles (0.056%); highest among the groups gnomAD compares: African/African-American, 1.1%; 4 homozygotes.

Submissions (2):

Labcorp Genetics (formerly Invitae), Labcorp
Classification: Benign for Rafiq syndrome. Last evaluated: 2025-12-19. Review status: criteria provided, single submitter. Criteria: Invitae Variant Classification Sherloc (09022015). Collection method: clinical testing. Allele origin: germline.

Illumina Laboratory Services, Illumina
Classification: Benign for Rafiq syndrome. Last evaluated: 2018-01-12. Review status: criteria provided, single submitter. Criteria: ICSL Variant Classification Criteria 13 December 2019. Collection method: clinical testing. Allele origin: germline.
Comment: This variant was observed in the ICSL laboratory as part of a predisposition screen in an ostensibly healthy population. It had not been previously curated by ICSL or reported in the Human Gene Mutation Database (HGMD: prior to June 1st, 2018), and was therefore a candidate for classification through an automated scoring system. Utilizing variant allele frequency, disease prevalence and penetrance estimates, and inheritance mode, an automated score was calculated to assess if this variant is too frequent to cause the disease. Based on the score and internal cut-off values, a variant classified as benign is not then subjected to further curation. The score for this variant resulted in a classification of benign for this disease.